The following is an entry in ClinVar:

ClinVar aggregate classification (germline): Uncertain significance (1 of 4 stars; one submission).

Submission:

GeneDx
Classification: Uncertain significance. Last evaluated: 2019-08-14. Review status: criteria provided, single submitter. Criteria: GeneDx Variant Classification Process June 2021. Collection method: clinical testing. Allele origin: germline. Affected: yes.
Comment: Not observed in large population cohorts (Lek et al., 2016); In silico analysis, which includes protein predictors and evolutionary conservation, supports that this variant does not alter protein structure/function; This variant is associated with the following publications: (PMID: 11260071)

NM_000206.3(IL2RG):c.190G>A (p.Val64Met)

Gene: IL2RG (interleukin 2 receptor subunit gamma; minus strand). Cytogenetic location: Xq13.1.
Variant type: single nucleotide variant.
Coding change: c.190G>A on transcript NM_000206.3 (MANE Select); coding-DNA position 190, G replaced by A.
Protein change: p.Val64Met; replaces valine 64 with methionine.
Molecular consequence: missense variant.
Genome position (GRCh38, 1-based): chrX:71,110,976, C>T on the plus strand (G>A on the coding strand, the complement: IL2RG is on the minus strand). VCF-style: chrX-71110976-C-T. GRCh37 (hg19) VCF-style: chrX-70330826-C-T.
Other names: short protein forms V64M.
Identifiers: ClinVar variation 430100 (VCV000430100.3), dbSNP rs1131691781, ClinGen allele CA413497146.